The following is an entry in ClinVar:

NM_020436.5(SALL4):c.67C>T (p.Pro23Ser)

Gene: SALL4 (spalt like transcription factor 4; minus strand). Cytogenetic location: 20q13.2.
Variant type: single nucleotide variant.
Coding change: c.67C>T on transcript NM_020436.5 (MANE Select); coding-DNA position 67, C replaced by T.
Protein change: p.Pro23Ser; replaces proline 23 with serine.
Molecular consequence: missense variant.
Genome position (GRCh38, 1-based): chr20:51,802,342, G>A on the plus strand (C>T on the coding strand, the complement: SALL4 is on the minus strand). VCF-style: chr20-51802342-G-A. GRCh37 (hg19) VCF-style: chr20-50418881-G-A.
Other names: c.67C>T, p.Pro23Ser (NM_001318031.2); short protein forms P23S.
Identifiers: ClinVar variation 2628876 (VCV002628876.3), dbSNP rs904024880, ClinGen allele CA315971540.

ClinVar aggregate classification (germline): Conflicting classifications of pathogenicity. Review status: criteria provided, conflicting classifications (1 of 4 stars). 3 submissions from 3 submitters: Uncertain significance (2); Likely benign (1). Last evaluated 2024-07-02.

Conditions:
SALL4-Related Disorders. Also called: SALL4-related condition; SALL4-related disorder. Identifiers: MedGen CN381056.
Duane-radial ray syndrome (DRRS). Also called: Duane-Radial Ray Syndrome/Okihiro Syndrome; Duane-Radial Ray Syndrome (DRRS) / Okihiro Syndrome; ACRORENOOCULAR SYNDROME; Okihiro Syndrome; DR SYNDROME; DUANE ANOMALY WITH RADIAL RAY ABNORMALITIES AND DEAFNESS. Identifiers: Orphanet 93293, Orphanet 959, MedGen C1623209, MONDO:0011812, OMIM 607323. Disease mechanism: gain of function.
Oculootoradial syndrome (IVIC). Also called: RADIAL RAY DEFECTS, HEARING IMPAIRMENT, EXTERNAL OPHTHALMOPLEGIA, AND THROMBOCYTOPENIA; IVIC syndrome. Identifiers: Orphanet 2307, MedGen C1327918, MONDO:0007836, OMIM 147750.

Allele frequency attached by ClinVar (database versions not stated): gnomAD 0.00001.

Submissions (3):

Blueprint Genetics
Classification: Likely benign. Last evaluated: 2024-07-02. Review status: criteria provided, single submitter. Criteria: ACMG Guidelines, 2015. Collection method: clinical testing. Allele origin: germline.

Fulgent Genetics
Classification: Uncertain significance for Oculootoradial syndrome; Duane-radial ray syndrome. Last evaluated: 2024-02-28. Review status: criteria provided, single submitter. Criteria: ACMG Guidelines, 2015. Collection method: clinical testing. Allele origin: germline.

PreventionGenetics, part of Exact Sciences
Classification: Uncertain significance for SALL4-related condition. Last evaluated: 2022-12-21. Review status: criteria provided, single submitter. Criteria: ACMG Guidelines, 2015. Collection method: clinical testing. Allele origin: germline.
Comment: The SALL4 c.67C>T variant is predicted to result in the amino acid substitution p.Pro23Ser. To our knowledge, this variant has not been reported in the literature or in a large population database, indicating this variant is rare. At this time, the clinical significance of this variant is uncertain due to the absence of conclusive functional and genetic evidence.